The following is an entry in ClinVar:

ClinVar aggregate classification (germline): Benign/Likely benign. Review status: criteria provided, multiple submitters, no conflicts (2 of 4 stars). 3 submissions from 3 submitters: Benign (1); Likely benign (2). Last evaluated 2024-05-24.

Conditions:
Familial cancer of breast. Also called: BREAST CANCER, FAMILIAL; hereditary breast carcinoma; Hereditary breast cancer. Identifiers: Orphanet 227535, MedGen C0346153, MONDO:0016419, OMIM 114480. Disease mechanism: loss of function.
Hereditary cancer-predisposing syndrome. Also called: Tumor predisposition; Hereditary Cancer Syndrome; Hereditary neoplastic syndrome; Neoplastic Syndromes, Hereditary. Identifiers: Orphanet 140162, MedGen C0027672, MeSH D009386, MONDO:0015356.
Ataxia-telangiectasia syndrome (AT). Also called: ATAXIA-TELANGIECTASIA, COMPLEMENTATION GROUP A; ATAXIA-TELANGIECTASIA, FRESNO VARIANT; Ataxia-telangiectasia; Ataxia-telangiectasia, complementation group E; LOUIS-BAR SYNDROME; Cerebello-oculocutaneous telangiectasia. Identifiers: Orphanet 100, MedGen C0004135, MONDO:0008840, OMIM 208900.

Submissions (3):

Myriad Genetics, Inc.
Classification: Benign for Familial cancer of breast. Last evaluated: 2024-05-24. Review status: criteria provided, single submitter. Criteria: Myriad Autosomal Dominant, Autosomal Recessive and X-Linked Classification Criteria (2023). Collection method: clinical testing. Allele origin: unknown.
Comment: This variant is considered benign. This variant is a silent/synonymous amino acid change and it is not expected to impact splicing.

Color Diagnostics, LLC DBA Color Health
Classification: Likely benign for Hereditary cancer-predisposing syndrome. Last evaluated: 2022-12-05. Review status: criteria provided, single submitter. Criteria: ACMG Guidelines, 2015. Collection method: clinical testing. Allele origin: germline.

Labcorp Genetics (formerly Invitae), Labcorp
Classification: Likely benign for Ataxia-telangiectasia syndrome. Last evaluated: 2022-05-07. Review status: criteria provided, single submitter. Criteria: Invitae Variant Classification Sherloc (09022015). Collection method: clinical testing. Allele origin: germline.

NM_000051.4(ATM):c.5772A>G (p.Ser1924=)

Genes: ATM (ATM serine/threonine kinase; plus strand), C11orf65 (chromosome 11 open reading frame 65; minus strand). Cytogenetic location: 11q22.3.
Variant type: single nucleotide variant.
Coding change: c.5772A>G on transcript NM_000051.4 (MANE Select); coding-DNA position 5772, A replaced by G.
Protein change: p.Ser1924=; no amino-acid change (serine 1924 retained).
Molecular consequence: synonymous variant. On other transcripts: intron variant (2).
Genome position (GRCh38, 1-based): chr11:108,310,169, A>G. VCF-style: chr11-108310169-A-G. GRCh37 (hg19) VCF-style: chr11-108180896-A-G.
Other names: c.5772A>G, p.Ser1924= (NM_001351834.2); c.641-1098T>C (NM_001330368.2); c.*39-1098T>C (NM_001351110.2).
Identifiers: ClinVar variation 2174330 (VCV002174330.4), dbSNP rs2136011704, ClinGen allele CA476675438.